The following is an entry in ClinVar:

ClinVar aggregate classification (germline): Conflicting classifications of pathogenicity. Review status: criteria provided, conflicting classifications (1 of 4 stars). 3 submissions from 3 submitters: Likely pathogenic (1); Uncertain significance (2). Last evaluated 2025-12-28.

Conditions:
Rapadilino syndrome. Identifiers: Orphanet 3021, MedGen C1849453, MONDO:0009955, OMIM 266280.
Baller-Gerold syndrome (BGS). Also called: CRANIOSYNOSTOSIS WITH RADIAL DEFECTS. Identifiers: Orphanet 1225, MedGen C0265308, MONDO:0009039, OMIM 218600.
Rothmund-Thomson syndrome type 2 (RTS2). Identifiers: Orphanet 221016, MedGen C5203410, MONDO:0016369, OMIM 268400.

Allele frequency attached by ClinVar (database versions not stated): gnomAD 0.00001; gnomAD exomes 0.00002; TOPMed 0.00002; ExAC 0.00003.

Submissions (3):

First Genomix Gene Laboratory, Genetic Diagnostics Department
Classification: Likely pathogenic for Baller-Gerold syndrome; Rapadilino syndrome; Rothmund-Thomson syndrome type 2. Last evaluated: 2025-12-28. Review status: criteria provided, single submitter. Criteria: ACMG Guidelines, 2015. Collection method: clinical testing. Allele origin: germline. Inheritance: Autosomal recessive inheritance. Affected: no. Observed: 1 variant allele.

Labcorp Genetics (formerly Invitae), Labcorp
Classification: Uncertain significance for Baller-Gerold syndrome. Last evaluated: 2023-10-14. Review status: criteria provided, single submitter. Criteria: Invitae Variant Classification Sherloc (09022015). Collection method: clinical testing. Allele origin: germline.
Comment: This sequence change creates a premature translational stop signal (p.Arg1181*) in the RECQL4 gene. While this is not anticipated to result in nonsense mediated decay, it is expected to disrupt the last 28 amino acid(s) of the RECQL4 protein. This variant is present in population databases (rs765804620, gnomAD 0.01%). This premature translational stop signal has been observed in individual(s) with lower grade glioma (PMID: 29625052). ClinVar contains an entry for this variant (Variation ID: 406948). Experimental studies and prediction algorithms are not available or were not evaluated, and the functional significance of this variant is currently unknown. This variant disrupts the C-terminus of the RECQL4 protein. Other variant(s) that disrupt this region (p.Thr1200ArgfsX26 ) have been observed in individuals with RECQL4-related conditions (PMID: 18716613). This suggests that this may be a clinically significant region of the protein. In summary, the available evidence is currently insufficient to determine the role of this variant in disease. Therefore, it has been classified as a Variant of Uncertain Significance.

Blueprint Genetics
Classification: Uncertain significance. Last evaluated: 2023-08-24. Review status: criteria provided, single submitter. Criteria: ACMG Guidelines, 2015. Collection method: clinical testing. Allele origin: germline.

Literature cited by the submitters: PubMed 29625052 (cited by Labcorp Genetics (formerly Invitae), Labcorp); PubMed 18716613 (cited by Labcorp Genetics (formerly Invitae), Labcorp).

NM_004260.4(RECQL4):c.3541C>T (p.Arg1181Ter)

Gene: RECQL4 (RecQ like helicase 4; minus strand). Cytogenetic location: 8q24.3.
Variant type: single nucleotide variant.
Coding change: c.3541C>T on transcript NM_004260.4 (MANE Select); coding-DNA position 3541, C replaced by T.
Protein change: p.Arg1181Ter; replaces arginine 1181 with a stop codon.
Molecular consequence: nonsense.
Genome position (GRCh38, 1-based): chr8:144,511,517, G>A on the plus strand (C>T on the coding strand, the complement: RECQL4 is on the minus strand). VCF-style: chr8-144511517-G-A. GRCh37 (hg19) VCF-style: chr8-145736900-G-A.
Other names: short protein forms R1181*.
Identifiers: ClinVar variation 406948 (VCV000406948.9), dbSNP rs765804620, ClinGen allele CA4947655.